The following is an entry in ClinVar:

NM_001080517.3(SETD5):c.2113dup (p.Thr705fs)

Gene: SETD5 (SET domain containing 5; plus strand). Cytogenetic location: 3p25.3.
Variant type: Duplication.
Coding change: c.2113dup on transcript NM_001080517.3 (MANE Select); coding-DNA position 2113, one base duplicated (A; older notation c.2113dupA).
Protein change: p.Thr705fs; shifts the reading frame from threonine 705.
Molecular consequence: frameshift variant.
Genome position (GRCh38, 1-based): chr3:9,448,397, A duplicated. VCF-style (leftmost placement, unchanged base first): chr3-9448396-T-TA. GRCh37 (hg19) VCF-style: chr3-9490080-T-TA.
Other names: c.1819dup, p.Thr607fs (NM_001292043.2, NM_001349451.2); short protein forms T607fs, T705fs.
Identifiers: ClinVar variation 817921 (VCV000817921.1), dbSNP rs1575475545, ClinGen allele CA915941818.
Genomic context (GRCh38, chr3:9,448,396, plus strand): 5'-ACTACACTGCTACCTCTTGATTTATAAACTAATGATCTCTTTTTTACCTTAGTATCTAGT[T>TA]ACAGAATGGTTGAATGACAAAGCAGAGAAGCAAGAGTGCCCTGTTGAGTGCCCTTTACGT-3'

ClinVar aggregate classification (germline): Pathogenic (1 of 4 stars; one submission).

Submission:

GeneDx
Classification: Pathogenic. Last evaluated: 2018-11-29. Review status: criteria provided, single submitter. Criteria: GeneDx Variant Classification (06012015). Collection method: clinical testing. Allele origin: germline. Affected: yes.
Comment: The c.2113dupA variant in the SETD5 gene has not been published as a pathogenic variant, nor has it been reported as a benign variant to our knowledge. This variant is not observed in large population cohorts (Lek et al., 2016). The c.2113dupA variant causes a frameshift starting with codon Threonine 705, changes this amino acid to an Asparagine residue, and creates a premature Stop codon at position 6 of the new reading frame, denoted p.Thr705AsnfsX6. This variant is predicted to cause loss of normal protein function either through protein truncation or nonsense-mediated mRNA decay. We interpret c.2113dupA as a pathogenic variant.